The following is an entry in ClinVar:

ClinVar aggregate classification (germline): Uncertain significance (1 of 4 stars; one submission).

gnomAD v4.1: 8 of 1,605,028 alleles (0.0005%); highest among the groups gnomAD compares: South Asian, 0.0067%; no homozygotes.

Submission:

Labcorp Genetics (formerly Invitae), Labcorp
Classification: Uncertain significance. Last evaluated: 2025-12-08. Review status: criteria provided, single submitter. Criteria: Invitae Variant Classification Sherloc (09022015). Collection method: clinical testing. Allele origin: germline.
Comment: This sequence change replaces isoleucine, which is neutral and non-polar, with leucine, which is neutral and non-polar, at codon 1100 of the KIF14 protein (p.Ile1100Leu). This variant is present in population databases (rs771180006, gnomAD 0.01%). This variant has not been reported in the literature in individuals affected with KIF14-related conditions. ClinVar contains an entry for this variant (Variation ID: 2956833). An algorithm developed to predict the effect of missense changes on protein structure and function outputs the following: PolyPhen-2: "Probably Damaging". The leucine amino acid residue is found in multiple mammalian species, which suggests that this missense change does not adversely affect protein function. In summary, the available evidence is currently insufficient to determine the role of this variant in disease. Therefore, it has been classified as a Variant of Uncertain Significance.

NM_014875.3(KIF14):c.3298A>C (p.Ile1100Leu)

Gene: KIF14 (kinesin family member 14; minus strand). Cytogenetic location: 1q32.1.
Variant type: single nucleotide variant.
Coding change: c.3298A>C on transcript NM_014875.3 (MANE Select); coding-DNA position 3298, A replaced by C.
Protein change: p.Ile1100Leu; replaces isoleucine 1100 with leucine.
Molecular consequence: missense variant.
Genome position (GRCh38, 1-based): chr1:200,581,238, T>G on the plus strand (A>C on the coding strand, the complement: KIF14 is on the minus strand). VCF-style: chr1-200581238-T-G. GRCh37 (hg19) VCF-style: chr1-200550366-T-G.
Other names: c.1825A>C, p.Ile609Leu (NM_001305792.1); short protein forms I1100L, I609L.
Identifiers: ClinVar variation 2956833 (VCV002956833.3), dbSNP rs771180006, ClinGen allele CA1317303.